The following is an entry in ClinVar:

ClinVar aggregate classification (germline): Likely pathogenic. Review status: criteria provided, single submitter (1 of 4 stars). 2 submissions from 2 submitters: Likely pathogenic (1). 1 of the submissions does not count toward it. Last evaluated 2023-01-21.

Conditions:
Cataract 14 multiple types. Also called: CATARACT 14, NUCLEAR PULVERULENT AND POSTERIOR POLAR; CATARACT 14, NUCLEAR CORALLIFORM; CATARACT 14, EMBRYONAL NUCLEAR; CATARACT 14, COPPOCK-LIKE; CATARACT 14, ZONULAR PULVERULENT; CATARACT 14, NUCLEAR PULVERULENT. Identifiers: Orphanet 91492, MedGen C1866078, MONDO:0011162, OMIM 601885.

Submissions (2):

Dept. Genetics and Cancer, Menzies Institute for Medical Research, University of Tasmania
Classification: Likely pathogenic for Cataract 14 multiple types. Last evaluated: 2023-01-21. Review status: criteria provided, single submitter. Criteria: ACMG Guidelines, 2015. Collection method: curation. Allele origin: germline. Affected: yes.
Comment: Variant identified and curated during a GJA3 specific review of the literature in relation to pediatric or congenital cataract. ACMG-AMP criteria applied: PP1(Strong), PM1, PM2(supporting), PP3. Original variant report: PMID:21681855. The cataract phenotype/s reported for this variant are: Nuclear pulverulent and posterior polar. Gene review and curation guidelines are outlined in: DOI 10.1080/17469899.2023.2160321

OMIM
Classification: Pathogenic for CATARACT 14, NUCLEAR PULVERULENT AND POSTERIOR POLAR. Last evaluated: 2011-12-01. Review status: no assertion criteria provided. Collection method: literature only. Allele origin: germline. Not counted in ClinVar's aggregate classification.

Literature cited by the submitters: PubMed 21681855 (cited by Dept. Genetics and Cancer, Menzies Institute for Medical Research, University of Tasmania and OMIM).

NM_021954.4(GJA3):c.5G>A (p.Gly2Asp)

Gene: GJA3 (gap junction protein alpha 3; minus strand). Cytogenetic location: 13q12.11.
Variant type: single nucleotide variant.
Coding change: c.5G>A on transcript NM_021954.4 (MANE Select); coding-DNA position 5, G replaced by A.
Protein change: p.Gly2Asp; replaces glycine 2 with aspartic acid.
Molecular consequence: missense variant.
Genome position (GRCh38, 1-based): chr13:20,143,284, C>T on the plus strand (G>A on the coding strand, the complement: GJA3 is on the minus strand). VCF-style: chr13-20143284-C-T. GRCh37 (hg19) VCF-style: chr13-20717423-C-T.
Other names: short protein forms G2D.
Identifiers: ClinVar variation 50942 (VCV000050942.2), dbSNP rs397514703, ClinGen allele CA214987.